The following is an entry in ClinVar:

NM_003331.5(TYK2):c.*199A>G

Gene: TYK2 (tyrosine kinase 2; minus strand). Cytogenetic location: 19p13.2.
Variant type: single nucleotide variant.
Coding change: c.*199A>G on transcript NM_003331.5 (MANE Select); 199 bases downstream of the stop codon, A replaced by G.
Molecular consequence: 3 prime UTR variant.
Genome position (GRCh38, 1-based): chr19:10,350,635, T>C on the plus strand (A>G on the coding strand, the complement: TYK2 is on the minus strand). VCF-style: chr19-10350635-T-C. GRCh37 (hg19) VCF-style: chr19-10461311-T-C.
Other names: c.*199A>G (LRG_121t1).
Identifiers: ClinVar variation 327932 (VCV000327932.6), dbSNP rs12720335, ClinGen allele CA10651389.
Genomic context (GRCh38, chr19:10,350,635, plus strand): 5'-GCCTCAAGTTTGGAAGCTGGGGGATTTAAGGGCTGGATTAGTGCCCCTACAAATGTTGGG[T>C]CCCTCAAGATCATGGTTAGGCTCACGGCCAAGAAAGAAAAATAAGTTCACAGAGGTGGGG-3'

ClinVar aggregate classification (germline): Likely benign. Review status: criteria provided, multiple submitters, no conflicts (2 of 4 stars). 2 submissions from 2 submitters: Likely benign (2). Last evaluated 2021-06-01.

Conditions:
Immunodeficiency 35 (IMD35). Also called: HIES WITH ATYPICAL MYCOBACTERIOSIS, AUTOSOMAL RECESSIVE; HYPER-IgE SYNDROME WITH ATYPICAL MYCOBACTERIOSIS, AUTOSOMAL RECESSIVE; TYK2 DEFICIENCY; Susceptibility to infection due to TYK2 deficiency. Identifiers: Orphanet 331226, MedGen C1969086, MONDO:0012682, OMIM 611521.

Allele frequency attached by ClinVar (database versions not stated): gnomAD exomes 0.00046; 1000 Genomes Project 0.00419; 1000 Genomes Project 30x 0.00437; gnomAD 0.00441 and 0.00482; TOPMed 0.00515.
gnomAD v4.1: 887 of 620,116 alleles (0.14%); highest among the groups gnomAD compares: African/African-American, 1.5%; 5 homozygotes.

Submissions (2):

GeneDx
Classification: Likely benign. Last evaluated: 2021-06-01. Review status: criteria provided, single submitter. Criteria: GeneDx Variant Classification Process June 2021. Collection method: clinical testing. Allele origin: germline. Affected: yes.

Illumina Laboratory Services, Illumina
Classification: Likely benign for Immunodeficiency 35. Last evaluated: 2018-01-13. Review status: criteria provided, single submitter. Criteria: ICSL Variant Classification Criteria 13 December 2019. Collection method: clinical testing. Allele origin: germline.
Comment: This variant was observed in the ICSL laboratory as part of a predisposition screen in an ostensibly healthy population. It had not been previously curated by ICSL or reported in the Human Gene Mutation Database (HGMD: prior to June 1st, 2018), and was therefore a candidate for classification through an automated scoring system. Utilizing variant allele frequency, disease prevalence and penetrance estimates, and inheritance mode, an automated score was calculated to assess if this variant is too frequent to cause the disease. Based on the score and internal cut-off values, a variant classified as likely benign is not then subjected to further curation. The score for this variant resulted in a classification of likely benign for this disease.